The following is an entry in ClinVar:

ClinVar aggregate classification (germline): Uncertain significance. Review status: criteria provided, multiple submitters, no conflicts (2 of 4 stars). 4 submissions from 4 submitters: Uncertain significance (3). 1 of the submissions does not count toward it. Last evaluated 2026-07-27.

Conditions:
CDH23-related disorder. Also called: CDH23-related disorders; CDH23-related condition.
Usher syndrome type 1 (USH1). Also called: RETINITIS PIGMENTOSA AND CONGENITAL DEAFNESS. Identifiers: Orphanet 231169, Orphanet 886, MedGen C1568247, MONDO:0010168, OMIM 276900.

Allele frequency attached by ClinVar (database versions not stated): ExAC 0.00002; gnomAD exomes 0.00002.
gnomAD v4.1: 7 of 1,613,838 alleles (0.00043%); highest among the groups gnomAD compares: Admixed American, 0.0067%; no homozygotes.

Submissions (4):

PreventionGenetics, part of Exact Sciences
Classification: Uncertain significance for CDH23-related condition. Last evaluated: 2026-07-27. Review status: criteria provided, single submitter. Criteria: ACMG Guidelines, 2015. Collection method: clinical testing. Allele origin: germline.
Comment: The CDH23 c.7936G>C variant is predicted to result in the amino acid substitution p.Gly2646Arg. To our knowledge, this variant has not been reported in the literature. This variant is reported in 0.012% of alleles in individuals of Latino descent in gnomAD. At this time, the clinical significance of this variant is uncertain due to the absence of conclusive functional and genetic evidence.

Labcorp Genetics (formerly Invitae), Labcorp
Classification: Uncertain significance. Last evaluated: 2024-01-31. Review status: criteria provided, single submitter. Criteria: Invitae Variant Classification Sherloc (09022015). Collection method: clinical testing. Allele origin: germline.
Comment: This sequence change replaces glycine, which is neutral and non-polar, with arginine, which is basic and polar, at codon 2646 of the CDH23 protein (p.Gly2646Arg). This variant is present in population databases (rs747025744, gnomAD 0.01%). This variant has not been reported in the literature in individuals affected with CDH23-related conditions. ClinVar contains an entry for this variant (Variation ID: 971636). Advanced modeling of protein sequence and biophysical properties (such as structural, functional, and spatial information, amino acid conservation, physicochemical variation, residue mobility, and thermodynamic stability) performed at Invitae indicates that this missense variant is not expected to disrupt CDH23 protein function with a negative predictive value of 95%. In summary, the available evidence is currently insufficient to determine the role of this variant in disease. Therefore, it has been classified as a Variant of Uncertain Significance.

GeneDx
Classification: Uncertain significance. Last evaluated: 2022-06-09. Review status: criteria provided, single submitter. Criteria: GeneDx Variant Classification Process June 2021. Collection method: clinical testing. Allele origin: germline. Affected: yes.
Comment: In silico analysis supports that this missense variant has a deleterious effect on protein structure/function; Has not been previously published as pathogenic or benign to our knowledge

Natera, Inc.
Classification: Uncertain significance for Usher syndrome type 1. Last evaluated: 2020-04-06. Review status: no assertion criteria provided. Collection method: clinical testing. Allele origin: germline. Not counted in ClinVar's aggregate classification.

NM_022124.6(CDH23):c.7936G>C (p.Gly2646Arg)

Genes: CDH23 (cadherin related 23; plus strand), LOC111982869 (Sharpr-MPRA regulatory region 2121; plus strand). Cytogenetic location: 10q22.1.
Variant type: single nucleotide variant.
Coding change: c.7936G>C on transcript NM_022124.6 (MANE Select); coding-DNA position 7936, G replaced by C.
Protein change: p.Gly2646Arg; replaces glycine 2646 with arginine.
Molecular consequence: missense variant.
Genome position (GRCh38, 1-based): chr10:71,805,869, G>C. VCF-style: chr10-71805869-G-C. GRCh37 (hg19) VCF-style: chr10-73565626-G-C.
Other names: c.1216G>C, p.Gly406Arg (NM_001171933.1, NM_001171934.1); short protein forms G406R, G2646R.
Identifiers: ClinVar variation 971636 (VCV000971636.10), dbSNP rs747025744, ClinGen allele CA5546483.